The following is an entry in ClinVar:

ClinVar aggregate classification (germline): Uncertain significance. Review status: criteria provided, multiple submitters, no conflicts (2 of 4 stars). 2 submissions from 2 submitters: Uncertain significance (2). Last evaluated 2025-05-22.

Conditions:
Hereditary spherocytosis type 1. Also called: Spherocytosis type 1; ANK1-Related Spherocytosis. Identifiers: Orphanet 822, MedGen C2674218, MONDO:0008447, OMIM 182900.

Submissions (2):

Labcorp Genetics (formerly Invitae), Labcorp
Classification: Uncertain significance. Last evaluated: 2025-05-22. Review status: criteria provided, single submitter. Criteria: Invitae Variant Classification Sherloc (09022015). Collection method: clinical testing. Allele origin: germline.
Comment: This sequence change replaces alanine, which is neutral and non-polar, with glutamic acid, which is acidic and polar, at codon 312 of the ANK1 protein (p.Ala312Glu). This variant is not present in population databases (gnomAD no frequency). This missense change has been observed in individual(s) with hereditary spherocytosis (PMID: 30317022; internal data). In at least one individual the variant was observed to be de novo. This variant is also known as c.1034C>A (p.A345E). ClinVar contains an entry for this variant (Variation ID: 1323895). Invitae Evidence Modeling of protein sequence and biophysical properties (such as structural, functional, and spatial information, amino acid conservation, physicochemical variation, residue mobility, and thermodynamic stability) has been performed for this missense variant. However, the output from this modeling did not meet the statistical confidence thresholds required to predict the impact of this variant on ANK1 protein function. In summary, the available evidence is currently insufficient to determine the role of this variant in disease. Therefore, it has been classified as a Variant of Uncertain Significance.

ARUP Laboratories, Molecular Genetics and Genomics, ARUP Laboratories
Classification: Uncertain significance for Hereditary spherocytosis type 1. Last evaluated: 2021-02-24. Review status: criteria provided, single submitter. Criteria: ARUP Molecular Germline Variant Investigation Process 2021. Collection method: clinical testing. Allele origin: germline.

Literature cited by the submitters: PubMed 30317022 (cited by Labcorp Genetics (formerly Invitae), Labcorp).

NM_000037.4(ANK1):c.935C>A (p.Ala312Glu)

Gene: ANK1 (ankyrin 1; minus strand). Cytogenetic location: 8p11.21.
Variant type: single nucleotide variant.
Coding change: c.935C>A on transcript NM_000037.4 (MANE Select); coding-DNA position 935, C replaced by A.
Protein change: p.Ala312Glu; replaces alanine 312 with glutamic acid.
Molecular consequence: missense variant.
Genome position (GRCh38, 1-based): chr8:41,719,833, G>T on the plus strand (C>A on the coding strand, the complement: ANK1 is on the minus strand). VCF-style: chr8-41719833-G-T. GRCh37 (hg19) VCF-style: chr8-41577351-G-T.
Other names: c.1034C>A, p.Ala345Glu (NM_001142446.2); c.935C>A, p.Ala312Glu (NM_020475.3, NM_020476.3, NM_020477.3); short protein forms A312E, A345E.
Identifiers: ClinVar variation 1323895 (VCV001323895.9), dbSNP rs1036457270, ClinGen allele CA371041403.